The following is an entry in ClinVar:

NM_024809.5(TCTN2):c.1015A>G (p.Lys339Glu)

Gene: TCTN2 (tectonic family member 2; plus strand). Cytogenetic location: 12q24.31.
Variant type: single nucleotide variant.
Coding change: c.1015A>G on transcript NM_024809.5 (MANE Select); coding-DNA position 1015, A replaced by G.
Protein change: p.Lys339Glu; replaces lysine 339 with glutamic acid.
Molecular consequence: missense variant.
Genome position (GRCh38, 1-based): chr12:123,690,656, A>G. VCF-style: chr12-123690656-A-G. GRCh37 (hg19) VCF-style: chr12-124175203-A-G.
Other names: c.1012A>G, p.Lys338Glu (NM_001143850.3); short protein forms K338E, K339E.
Identifiers: ClinVar variation 1446201 (VCV001446201.6), dbSNP rs563272016, ClinGen allele CA6861065.

ClinVar aggregate classification (germline): Conflicting classifications of pathogenicity. Review status: criteria provided, conflicting classifications (1 of 4 stars). 2 submissions from 2 submitters: Uncertain significance (1); Benign (1). Last evaluated 2024-10-25.

Conditions:
Meckel-Gruber syndrome. Also called: Dysencephalia splachnocystica; DYSENCEPHALIA SPLANCHNOCYSTICA; GRUBER SYNDROME. Identifiers: Orphanet 564, MedGen C0265215, MONDO:0018921.
Joubert syndrome. Also called: Familial aplasia of the vermis; JOUBERT-BOLTSHAUSER SYNDROME. Identifiers: Orphanet 475, MedGen C5979921, MONDO:0018772.

Allele frequency attached by ClinVar (database versions not stated): TOPMed below 0.00001; gnomAD 0.00003; gnomAD exomes 0.00007 and 0.00016; ExAC 0.00021; 1000 Genomes Project 0.00060; 1000 Genomes Project 30x 0.00062.
gnomAD v4.1: 110 of 1,614,208 alleles (0.0068%); highest among the groups gnomAD compares: South Asian, 0.12%; no homozygotes.

Submissions (2):

Blueprint Genetics
Classification: Benign. Last evaluated: 2024-10-25. Review status: criteria provided, single submitter. Criteria: ACMG Guidelines, 2015. Collection method: clinical testing. Allele origin: germline.

Labcorp Genetics (formerly Invitae), Labcorp
Classification: Uncertain significance for Joubert syndrome; Meckel-Gruber syndrome. Last evaluated: 2022-08-15. Review status: criteria provided, single submitter. Criteria: Invitae Variant Classification Sherloc (09022015). Collection method: clinical testing. Allele origin: germline.
Comment: This sequence change replaces lysine, which is basic and polar, with glutamic acid, which is acidic and polar, at codon 339 of the TCTN2 protein (p.Lys339Glu). This variant is present in population databases (rs563272016, gnomAD 0.1%). This variant has not been reported in the literature in individuals affected with TCTN2-related conditions. ClinVar contains an entry for this variant (Variation ID: 1446201). Algorithms developed to predict the effect of missense changes on protein structure and function are either unavailable or do not agree on the potential impact of this missense change (SIFT: "Deleterious"; PolyPhen-2: "Benign"; Align-GVGD: "Class C0"). In summary, the available evidence is currently insufficient to determine the role of this variant in disease. Therefore, it has been classified as a Variant of Uncertain Significance.